The following is an entry in ClinVar:

NM_000260.4(MYO7A):c.3191G>A (p.Gly1064Asp)

Gene: MYO7A (myosin VIIA; plus strand). Cytogenetic location: 11q13.5.
Variant type: single nucleotide variant.
Coding change: c.3191G>A on transcript NM_000260.4 (MANE Select); coding-DNA position 3191, G replaced by A.
Protein change: p.Gly1064Asp; replaces glycine 1064 with aspartic acid.
Molecular consequence: missense variant.
Genome position (GRCh38, 1-based): chr11:77,182,506, G>A. VCF-style: chr11-77182506-G-A. GRCh37 (hg19) VCF-style: chr11-76893551-G-A.
Other names: c.3191G>A, p.Gly1064Asp (NM_001127180.2); c.3158G>A, p.Gly1053Asp (NM_001369365.1); short protein forms G1053D, G1064D.
Identifiers: ClinVar variation 4800481 (VCV004800481.1).
Genomic context (GRCh38, chr11:77,182,506, plus strand): 5'-CCATCCTCCGCTTCATGGGGGACCTCCCTGAGCCCAAGTACCACACAGCCATGAGTGATG[G>A]CAGTGAGAAGATCCCTGTGATGACCAAGATTTATGAGACCCTGGGCAAGAAGACGTACAA-3'
Protein context (NP_000251.3, residues 1054-1074): EPKYHTAMSD[Gly1064Asp]SEKIPVMTKI

ClinVar aggregate classification (germline): Uncertain significance (1 of 4 stars; one submission).

Submission:

Labcorp Genetics (formerly Invitae), Labcorp
Classification: Uncertain significance. Last evaluated: 2025-08-29. Review status: criteria provided, single submitter. Criteria: Invitae Variant Classification Sherloc (09022015). Collection method: clinical testing. Allele origin: germline.
Comment: This sequence change replaces glycine, which is neutral and non-polar, with aspartic acid, which is acidic and polar, at codon 1064 of the MYO7A protein (p.Gly1064Asp). This variant is not present in population databases (gnomAD no frequency). This variant has not been reported in the literature in individuals affected with MYO7A-related conditions. Invitae Evidence Modeling of protein sequence and biophysical properties (such as structural, functional, and spatial information, amino acid conservation, physicochemical variation, residue mobility, and thermodynamic stability) indicates that this missense variant is not expected to disrupt MYO7A protein function with a negative predictive value of 95%. In summary, the available evidence is currently insufficient to determine the role of this variant in disease. Therefore, it has been classified as a Variant of Uncertain Significance.